The following is an entry in ClinVar:

NM_198525.3(KIF7):c.50G>C (p.Arg17Pro)

Gene: KIF7 (kinesin family member 7; minus strand). Cytogenetic location: 15q26.1.
Variant type: single nucleotide variant.
Coding change: c.50G>C on transcript NM_198525.3 (MANE Select); coding-DNA position 50, G replaced by C.
Protein change: p.Arg17Pro; replaces arginine 17 with proline.
Molecular consequence: missense variant.
Genome position (GRCh38, 1-based): chr15:89,652,881, C>G on the plus strand (G>C on the coding strand, the complement: KIF7 is on the minus strand). VCF-style: chr15-89652881-C-G. GRCh37 (hg19) VCF-style: chr15-90196112-C-G.
Other names: short protein forms R17P.
Identifiers: ClinVar variation 1718756 (VCV001718756.5), dbSNP rs949983017, ClinGen allele CA393781036.

ClinVar aggregate classification (germline): Uncertain significance (1 of 4 stars; one submission).

Conditions:
Acrocallosal syndrome (ACLS). Also called: HALLUX DUPLICATION, POSTAXIAL POLYDACTYLY, AND ABSENCE OF CORPUS CALLOSUM; Schinzel syndrome 1; Absence of corpus callosum with unusual facial appearance, mental deficiency, duplication of the halluces and polydactyly. Identifiers: Orphanet 36, MedGen C0796147, MONDO:0008708, OMIM 200990.

gnomAD v4.1: 1 of 1,540,194 alleles (0.000065%); highest among the groups gnomAD compares: Non-Finnish European, 0.000088%; no homozygotes.

Submission:

Labcorp Genetics (formerly Invitae), Labcorp
Classification: Uncertain significance for Acrocallosal syndrome. Last evaluated: 2022-07-19. Review status: criteria provided, single submitter. Criteria: Invitae Variant Classification Sherloc (09022015). Collection method: clinical testing. Allele origin: germline.
Comment: In summary, the available evidence is currently insufficient to determine the role of this variant in disease. Therefore, it has been classified as a Variant of Uncertain Significance. Algorithms developed to predict the effect of missense changes on protein structure and function are either unavailable or do not agree on the potential impact of this missense change (SIFT: "Deleterious"; PolyPhen-2: "Possibly Damaging"; Align-GVGD: "Class C0"). This variant has not been reported in the literature in individuals affected with KIF7-related conditions. This variant is not present in population databases (gnomAD no frequency). This sequence change replaces arginine, which is basic and polar, with proline, which is neutral and non-polar, at codon 17 of the KIF7 protein (p.Arg17Pro).